The following is an entry in ClinVar:

NM_006397.3(RNASEH2A):c.489G>A (p.Thr163=)

Gene: RNASEH2A (ribonuclease H2 subunit A; plus strand). Cytogenetic location: 19p13.13.
Variant type: single nucleotide variant.
Coding change: c.489G>A on transcript NM_006397.3 (MANE Select); coding-DNA position 489, G replaced by A.
Protein change: p.Thr163=; no amino-acid change (threonine 163 retained).
Molecular consequence: synonymous variant.
Genome position (GRCh38, 1-based): chr19:12,810,148, G>A. VCF-style: chr19-12810148-G-A. GRCh37 (hg19) VCF-style: chr19-12920962-G-A.
Identifiers: ClinVar variation 794686 (VCV000794686.12), dbSNP rs533339996, ClinGen allele CA9231917.
Genomic context (GRCh38, chr19:12,810,148, plus strand): 5'-AGGGATGCCAGAGACATACCAGGCGCGGCTGCAGCAAAGTTTTCCCGGGATTGAGGTGAC[G>A]GTCAAGGCCAAAGCAGATGCCCTCTACCCGGTGGTTAGTGCTGCCAGCATCTGTGCCAAG-3'
Protein context (NP_006388.2, residues 153-173): LQQSFPGIEV[Thr163=]VKAKADALYP

ClinVar aggregate classification (germline): Likely benign. Review status: criteria provided, multiple submitters, no conflicts (2 of 4 stars). 2 submissions from 2 submitters: Likely benign (2). Last evaluated 2026-08-01.

Conditions:
Aicardi-Goutieres syndrome 4. Identifiers: Orphanet 51, MedGen C1835912, MONDO:0012472, OMIM 610333.

Allele frequency attached by ClinVar (database versions not stated): gnomAD exomes 0.00001 and 0.00002; ExAC 0.00003; TOPMed 0.00003; gnomAD 0.00004; 1000 Genomes Project 30x 0.00016; 1000 Genomes Project 0.00020.
gnomAD v4.1: 23 of 1,614,226 alleles (0.0014%); highest among the groups gnomAD compares: Admixed American, 0.013%; no homozygotes.

Submissions (2):

CeGaT Center for Human Genetics Tuebingen
Classification: Likely benign. Last evaluated: 2026-08-01. Review status: criteria provided, single submitter. Criteria: CeGaT Center For Human Genetics Tuebingen Variant Classification Criteria Version 2. Collection method: clinical testing. Allele origin: germline. Affected: yes. Observed: 1 variant allele.
Comment: RNASEH2A: BP4, BP7

Labcorp Genetics (formerly Invitae), Labcorp
Classification: Likely benign for Aicardi-Goutieres syndrome 4. Last evaluated: 2025-08-03. Review status: criteria provided, single submitter. Criteria: Invitae Variant Classification Sherloc (09022015). Collection method: clinical testing. Allele origin: germline.